The following is an entry in ClinVar:

NM_033026.6(PCLO):c.3587A>G (p.Glu1196Gly)

Gene: PCLO (piccolo presynaptic cytomatrix protein; minus strand). Cytogenetic location: 7q21.11.
Variant type: single nucleotide variant.
Coding change: c.3587A>G on transcript NM_033026.6 (MANE Select); coding-DNA position 3587, A replaced by G.
Protein change: p.Glu1196Gly; replaces glutamic acid 1196 with glycine.
Molecular consequence: missense variant.
Genome position (GRCh38, 1-based): chr7:82,966,201, T>C on the plus strand (A>G on the coding strand, the complement: PCLO is on the minus strand). VCF-style: chr7-82966201-T-C. GRCh37 (hg19) VCF-style: chr7-82595517-T-C.
Other names: c.3587A>G, p.Glu1196Gly (NM_014510.3); short protein forms E1196G.
Identifiers: ClinVar variation 1924087 (VCV001924087.5), dbSNP rs757396529, ClinGen allele CA4321009.
Genomic context (GRCh38, chr7:82,966,201, plus strand): 5'-TCAGGGAGTGGCTTTTTTTCTTGAAGAGCTGAAGCTTTGTCTTTCTCTAGTTTACTCTCT[T>C]CTTGTTTTTGATCTGTGGTTACCATAGGAGGAATTTTTTCCATTGATAGTGTTTCCTTTA-3'
Protein context (NP_149015.2, residues 1186-1206): PPMVTTDQKQ[Glu1196Gly]ESKLEKDKAS

ClinVar aggregate classification (germline): Uncertain significance (1 of 4 stars; one submission).

Allele frequency attached by ClinVar (database versions not stated): gnomAD exomes below 0.00001; TOPMed below 0.00001; ExAC 0.00001.
gnomAD v4.1: 6 of 1,611,494 alleles (0.00037%); highest among the groups gnomAD compares: Non-Finnish European, 0.00051%; no homozygotes.

Submission:

Labcorp Genetics (formerly Invitae), Labcorp
Classification: Uncertain significance. Last evaluated: 2022-09-06. Review status: criteria provided, single submitter. Criteria: Invitae Variant Classification Sherloc (09022015). Collection method: clinical testing. Allele origin: germline.
Comment: In summary, the available evidence is currently insufficient to determine the role of this variant in disease. Therefore, it has been classified as a Variant of Uncertain Significance. Algorithms developed to predict the effect of missense changes on protein structure and function are either unavailable or do not agree on the potential impact of this missense change (SIFT: "Tolerated"; PolyPhen-2: "Not Available"; Align-GVGD: "Class C0"). This variant has not been reported in the literature in individuals affected with PCLO-related conditions. This variant is present in population databases (rs757396529, gnomAD 0.004%). This sequence change replaces glutamic acid, which is acidic and polar, with glycine, which is neutral and non-polar, at codon 1196 of the PCLO protein (p.Glu1196Gly).